The following is an entry in ClinVar:

ClinVar aggregate classification (germline): Uncertain significance. Review status: criteria provided, multiple submitters, no conflicts (2 of 4 stars). 2 submissions from 2 submitters: Uncertain significance (2). Last evaluated 2024-02-21.

Conditions:
Inborn genetic diseases. Identifiers: MedGen C0950123, MeSH D030342.
Nephronophthisis 18 (NPHP18). Identifiers: Orphanet 655, MedGen C3890591, MONDO:0014374, OMIM 615862.

Allele frequency attached by ClinVar (database versions not stated): gnomAD 0.00002; gnomAD exomes 0.00002; ExAC 0.00003; TOPMed 0.00003; ESP Exome Variant Server 0.00009.
gnomAD v4.1: 28 of 1,454,884 alleles (0.0019%); highest among the groups gnomAD compares: Non-Finnish European, 0.0023%; no homozygotes.

Submissions (2):

Ambry Genetics
Classification: Uncertain significance for Inborn genetic diseases. Last evaluated: 2024-02-21. Review status: criteria provided, single submitter. Criteria: Ambry Variant Classification Scheme 2023. Collection method: clinical testing. Allele origin: germline.

Labcorp Genetics (formerly Invitae), Labcorp
Classification: Uncertain significance for Nephronophthisis 18. Last evaluated: 2020-06-09. Review status: criteria provided, single submitter. Criteria: Invitae Variant Classification Sherloc (09022015). Collection method: clinical testing. Allele origin: germline.
Comment: This variant has not been reported in the literature in individuals with CEP83-related conditions. This sequence change replaces lysine with threonine at codon 311 of the CEP83 protein (p.Lys311Thr). The lysine residue is weakly conserved and there is a moderate physicochemical difference between lysine and threonine. This variant is present in population databases (rs375493761, ExAC 0.02%). Algorithms developed to predict the effect of missense changes on protein structure and function output the following: SIFT: "Not Available"; PolyPhen-2: "Benign"; Align-GVGD: "Not Available". The threonine amino acid residue is found in multiple mammalian species, suggesting that this missense change does not adversely affect protein function. These predictions have not been confirmed by published functional studies and their clinical significance is uncertain. In summary, the available evidence is currently insufficient to determine the role of this variant in disease. Therefore, it has been classified as a Variant of Uncertain Significance.

NM_016122.3(CEP83):c.932A>C (p.Lys311Thr)

Gene: CEP83 (centrosomal protein 83; minus strand). Cytogenetic location: 12q22.
Variant type: single nucleotide variant.
Coding change: c.932A>C on transcript NM_016122.3 (MANE Select); coding-DNA position 932, A replaced by C.
Protein change: p.Lys311Thr; replaces lysine 311 with threonine.
Molecular consequence: missense variant. On other transcripts: non-coding transcript variant (2).
Genome position (GRCh38, 1-based): chr12:94,375,887, T>G on the plus strand (A>C on the coding strand, the complement: CEP83 is on the minus strand). VCF-style: chr12-94375887-T-G. GRCh37 (hg19) VCF-style: chr12-94769663-T-G.
Other names: c.932A>C (NM_016122.2); c.932A>C, p.Lys311Thr (NM_001042399.2, NM_001346457.2, NM_001346460.2 and 3 more transcripts); c.620A>C, p.Lys207Thr (NM_001346458.2, NM_001346459.2, NM_001346462.2 and 2 more transcripts); c.707A>C, p.Lys236Thr (NM_001368041.1); c.395A>C, p.Lys132Thr (NM_001368042.1); short protein forms K132T, K207T, K236T, K311T.
Identifiers: ClinVar variation 1027187 (VCV001027187.8), dbSNP rs375493761, ClinGen allele CA6721806.